The following is an entry in ClinVar:

ClinVar aggregate classification (germline): Uncertain significance (1 of 4 stars; one submission).

Conditions:
Idiopathic Pulmonary Fibrosis. Also called: Idiopathic fibrosing alveolitis, chronic form; idiopathic fibrosing alveolitis. Identifiers: Orphanet 2032, MedGen C1800706, MeSH D054990, MONDO:0800504.
Dyskeratosis congenita, autosomal dominant 2. Identifiers: MedGen C3151443, MONDO:0013521, OMIM 613989.

Allele frequency attached by ClinVar (database versions not stated): gnomAD exomes below 0.00001.
gnomAD v4.1: 1 of 1,614,152 alleles (0.000062%); highest among the groups gnomAD compares: Non-Finnish European, 0.000085%; no homozygotes.

Submission:

Labcorp Genetics (formerly Invitae), Labcorp
Classification: Uncertain significance for Dyskeratosis congenita, autosomal dominant 2; Idiopathic Pulmonary Fibrosis. Last evaluated: 2022-05-10. Review status: criteria provided, single submitter. Criteria: Invitae Variant Classification Sherloc (09022015). Collection method: clinical testing. Allele origin: germline.
Comment: This variant has not been reported in the literature in individuals affected with TERT-related conditions. This variant is not present in population databases (gnomAD no frequency). This sequence change replaces isoleucine, which is neutral and non-polar, with methionine, which is neutral and non-polar, at codon 720 of the TERT protein (p.Ile720Met). In summary, the available evidence is currently insufficient to determine the role of this variant in disease. Therefore, it has been classified as a Variant of Uncertain Significance. Advanced modeling of protein sequence and biophysical properties (such as structural, functional, and spatial information, amino acid conservation, physicochemical variation, residue mobility, and thermodynamic stability) performed at Invitae indicates that this missense variant is expected to disrupt TERT protein function.

NM_198253.3(TERT):c.2160C>G (p.Ile720Met)

Gene: TERT (telomerase reverse transcriptase; minus strand). Cytogenetic location: 5p15.33.
Variant type: single nucleotide variant.
Coding change: c.2160C>G on transcript NM_198253.3 (MANE Select); coding-DNA position 2160, C replaced by G.
Protein change: p.Ile720Met; replaces isoleucine 720 with methionine.
Molecular consequence: missense variant. On other transcripts: non-coding transcript variant (1).
Genome position (GRCh38, 1-based): chr5:1,278,767, G>C on the plus strand (C>G on the coding strand, the complement: TERT is on the minus strand). VCF-style: chr5-1278767-G-C. GRCh37 (hg19) VCF-style: chr5-1278882-G-C.
Other names: c.2160C>G, p.Ile720Met (NM_001193376.3, NM_003219.1); short protein forms I720M.
Identifiers: ClinVar variation 1992726 (VCV001992726.4), dbSNP rs1212059525, ClinGen allele CA359079632.